The following is an entry in ClinVar:

NM_001110556.2(FLNA):c.2203T>C (p.Tyr735His)

Gene: FLNA (filamin A; minus strand). Cytogenetic location: Xq28.
Variant type: single nucleotide variant.
Coding change: c.2203T>C on transcript NM_001110556.2 (MANE Select); coding-DNA position 2203, T replaced by C.
Protein change: p.Tyr735His; replaces tyrosine 735 with histidine.
Molecular consequence: missense variant.
Genome position (GRCh38, 1-based): chrX:154,364,099, A>G on the plus strand (T>C on the coding strand, the complement: FLNA is on the minus strand). VCF-style: chrX-154364099-A-G. GRCh37 (hg19) VCF-style: chrX-153592467-A-G.
Other names: c.2203T>C (NM_001110556.1); c.2203T>C, p.Tyr735His (NM_001456.4); short protein forms Y735H.
Identifiers: ClinVar variation 1787669 (VCV001787669.6), dbSNP rs2522753015, ClinGen allele CA415237920.

ClinVar aggregate classification (germline): Uncertain significance. Review status: criteria provided, multiple submitters, no conflicts (2 of 4 stars). 3 submissions from 3 submitters: Uncertain significance (3). Last evaluated 2025-12-23.

Conditions:
Familial thoracic aortic aneurysm and aortic dissection (TAAD). Also called: Thoracic aortic aneurysms and dissections. Identifiers: Orphanet 91387, MedGen C4707243, MONDO:0019625.
Melnick-Needles syndrome (MNS). Also called: MELNICK-NEEDLES OSTEODYSPLASTY; OSTEODYSPLASTY OF MELNICK AND NEEDLES; Melnick-Needles Syndrome (FLNA-MNS). Identifiers: Orphanet 2484, MedGen C0025237, MONDO:0010650, OMIM 309350.
Oto-palato-digital syndrome, type II (OPD2). Also called: FACIOPALATOOSSEOUS SYNDROME; OPD II SYNDROME; Otopalatodigital Syndrome Type 2 (FLNA-OPD2); Otopalatodigital Syndrome, Type II. Identifiers: Orphanet 669, Orphanet 90652, MedGen C1844696, MONDO:0010571, OMIM 304120.
Frontometaphyseal dysplasia (FMD1). Identifiers: Orphanet 1826, MedGen C0265293, MONDO:0015942.
Heterotopia, periventricular, X-linked dominant (PVNH1). Also called: PERIVENTRICULAR NODULAR HETEROTOPIA 4; HETEROTOPIA, PERIVENTRICULAR, 1; PERIVENTRICULAR NODULAR HETEROTOPIA 1; X-linked periventricular heterotopia. Identifiers: Orphanet 2149, Orphanet 82004, MedGen C1848213, MONDO:0010233, OMIM 300049.
FLNA-related disorder.

Submissions (3):

PreventionGenetics, part of Exact Sciences
Classification: Uncertain significance for FLNA-related condition. Last evaluated: 2025-12-23. Review status: criteria provided, single submitter. Criteria: ACMG Guidelines, 2015. Collection method: clinical testing. Allele origin: germline.
Comment: The FLNA c.2203T>C variant is predicted to result in the amino acid substitution p.Tyr735His. To our knowledge, this variant has not been reported in the literature or in a large population database (gnomAD), indicating this variant is rare. At this time, the clinical significance of this variant is uncertain due to the absence of conclusive functional and genetic evidence.

Labcorp Genetics (formerly Invitae), Labcorp
Classification: Uncertain significance for Oto-palato-digital syndrome, type II; Heterotopia, periventricular, X-linked dominant; Frontometaphyseal dysplasia; Melnick-Needles syndrome. Last evaluated: 2024-03-28. Review status: criteria provided, single submitter. Criteria: Invitae Variant Classification Sherloc (09022015). Collection method: clinical testing. Allele origin: germline.
Comment: This sequence change replaces tyrosine, which is neutral and polar, with histidine, which is basic and polar, at codon 735 of the FLNA protein (p.Tyr735His). This variant is not present in population databases (gnomAD no frequency). This variant has not been reported in the literature in individuals affected with FLNA-related conditions. ClinVar contains an entry for this variant (Variation ID: 1787669). Advanced modeling of protein sequence and biophysical properties (such as structural, functional, and spatial information, amino acid conservation, physicochemical variation, residue mobility, and thermodynamic stability) has been performed at Invitae for this missense variant, however the output from this modeling did not meet the statistical confidence thresholds required to predict the impact of this variant on FLNA protein function. In summary, the available evidence is currently insufficient to determine the role of this variant in disease. Therefore, it has been classified as a Variant of Uncertain Significance.

Ambry Genetics
Classification: Uncertain significance for Familial thoracic aortic aneurysm and aortic dissection. Last evaluated: 2022-02-16. Review status: criteria provided, single submitter. Criteria: Ambry Variant Classification Scheme 2023. Collection method: clinical testing. Allele origin: germline.
Comment: The p.Y735H variant (also known as c.2203T>C), located in coding exon 14 of the FLNA gene, results from a T to C substitution at nucleotide position 2203. The tyrosine at codon 735 is replaced by histidine, an amino acid with similar properties. This amino acid position is highly conserved in available vertebrate species. In addition, this alteration is predicted to be deleterious by in silico analysis. Since supporting evidence is limited at this time, the clinical significance of this alteration remains unclear.